The following is an entry in ClinVar:

NM_004006.3(DMD):c.5104_5105del (p.Leu1702fs)

Gene: DMD (dystrophin; minus strand). Cytogenetic location: Xp21.1.
Variant type: Deletion.
Coding change: c.5104_5105del on transcript NM_004006.3 (MANE Select); coding-DNA positions 5104 to 5105, 2 bases deleted (TT; older notation c.5104_5105delTT).
Protein change: p.Leu1702fs; shifts the reading frame from leucine 1702.
Molecular consequence: frameshift variant.
Genome position (GRCh38, 1-based): chrX:32,364,631-32,364,632, AA deleted on the plus strand (TT on the coding strand, the reverse complement: DMD is on the minus strand); deleting any 2 consecutive bases within chrX:32,364,631-32,364,634 gives the same sequence; the c. name uses the placement nearest the transcript's 3' end. VCF-style (leftmost placement, unchanged base first): chrX-32364630-CAA-C. GRCh37 (hg19) VCF-style: chrX-32382747-CAA-C.
Other names: c.5080_5081del, p.Leu1694fs (NM_000109.4); c.5092_5093del, p.Leu1698fs (NM_004009.3); c.4735_4736del, p.Leu1579fs (NM_004010.3); c.1081_1082del, p.Leu361fs (NM_004011.4); c.1072_1073del, p.Leu358fs (NM_004012.4); short protein forms L1579fs, L361fs, L1698fs, L358fs, L1694fs, L1702fs.
Identifiers: ClinVar variation 1370216 (VCV001370216.7), dbSNP rs2147253222, ClinGen allele CA2573158564.

ClinVar aggregate classification (germline): Pathogenic/Likely pathogenic. Review status: criteria provided, multiple submitters, no conflicts (2 of 4 stars). 2 submissions from 2 submitters: Pathogenic (1); Likely pathogenic (1). Last evaluated 2022-06-17.

Conditions:
Neuromuscular disease caused by qualitative or quantitative defects of dystrophin. Also called: Qualitative or quantitative defects of dystrophin. Identifiers: Orphanet 207085, MedGen C5679787, MONDO:0016147.
Duchenne muscular dystrophy (DMD). Also called: MUSCULAR DYSTROPHY, PSEUDOHYPERTROPHIC PROGRESSIVE, DUCHENNE TYPE; Duchenne Muscular Dystrophy (DMD). Identifiers: Orphanet 98896, MedGen C0013264, MONDO:0010679, OMIM 310200.

Submissions (2):

Women's Health and Genetics/Laboratory Corporation of America, LabCorp
Classification: Likely pathogenic for Neuromuscular disease caused by qualitative or quantitative defects of dystrophin. Last evaluated: 2022-06-17. Review status: criteria provided, single submitter. Criteria: LabCorp Variant Classification Summary - May 2015. Collection method: clinical testing. Allele origin: germline.
Comment: Variant summary: DMD c.5104_5105delTT (p.Leu1702GlyfsX2) results in a premature termination codon, predicted to cause a truncation of the encoded protein or absence of the protein due to nonsense mediated decay, which are commonly known mechanisms for disease. Truncations downstream of this position have been classified as pathogenic by our laboratory. The variant was absent in 182859 control chromosomes. To our knowledge, no occurrence of c.5104_5105delTT in individuals affected with Dystrophinopathies and no experimental evidence demonstrating its impact on protein function have been reported. One clinical diagnostic laboratory has submitted clinical-significance assessments for this variant to ClinVar after 2014 without evidence for independent evaluation and classified the variant as pathogenic. Based on the evidence outlined above, the variant was classified as likely pathogenic.

Labcorp Genetics (formerly Invitae), Labcorp
Classification: Pathogenic for Duchenne muscular dystrophy. Last evaluated: 2021-09-09. Review status: criteria provided, single submitter. Criteria: Invitae Variant Classification Sherloc (09022015). Collection method: clinical testing. Allele origin: germline.
Comment: This variant has not been reported in the literature in individuals affected with DMD-related conditions. This sequence change creates a premature translational stop signal (p.Leu1702Glyfs*2) in the DMD gene. It is expected to result in an absent or disrupted protein product. Loss-of-function variants in DMD are known to be pathogenic (PMID: 16770791, 25007885). This variant is not present in population databases (ExAC no frequency). For these reasons, this variant has been classified as Pathogenic.

Literature cited by the submitters: PubMed 16770791 (cited by Labcorp Genetics (formerly Invitae), Labcorp); PubMed 25007885 (cited by Labcorp Genetics (formerly Invitae), Labcorp).